The following is an entry in ClinVar:

NM_024675.4(PALB2):c.2596G>T (p.Gly866Cys)

Gene: PALB2 (partner and localizer of BRCA2; minus strand). Cytogenetic location: 16p12.2.
Variant type: single nucleotide variant.
Coding change: c.2596G>T on transcript NM_024675.4 (MANE Select); coding-DNA position 2596, G replaced by T.
Protein change: p.Gly866Cys; replaces glycine 866 with cysteine.
Molecular consequence: missense variant.
Genome position (GRCh38, 1-based): chr16:23,626,388, C>A on the plus strand (G>T on the coding strand, the complement: PALB2 is on the minus strand). VCF-style: chr16-23626388-C-A. GRCh37 (hg19) VCF-style: chr16-23637709-C-A.
Other names: short protein forms G866C.
Identifiers: ClinVar variation 460947 (VCV000460947.24), dbSNP rs780415750, ClinGen allele CA7963516.
Genomic context (GRCh38, chr16:23,626,388, plus strand): 5'-ATGGCTCTTTACAACCGGCTCTTTCCCAAAACATGGCACTCACATCTACGGAACAGGAAC[C>A]TGAAGGATTCTGACACAATGGCAACAGTTCTGTTAAAGTGGCACTCGAGTGCTGTTTTAT-3'
Protein context (NP_078951.2, residues 856-876): QLVSELKNPS[Gly866Cys]SCSVDVSAMF

ClinVar aggregate classification (germline): Conflicting classifications of pathogenicity. Review status: criteria provided, conflicting classifications (1 of 4 stars). 5 submissions from 5 submitters: Likely pathogenic (1); Uncertain significance (4). Last evaluated 2025-06-23.

Conditions:
Familial cancer of breast. Also called: BREAST CANCER, FAMILIAL; Hereditary breast cancer; hereditary breast carcinoma. Identifiers: Orphanet 227535, MedGen C0346153, MONDO:0016419, OMIM 114480. Disease mechanism: loss of function.
Hereditary cancer-predisposing syndrome. Also called: Neoplastic Syndromes, Hereditary; Hereditary Cancer Syndrome; Hereditary neoplastic syndrome; Tumor predisposition. Identifiers: Orphanet 140162, MedGen C0027672, MeSH D009386, MONDO:0015356.

Allele frequency attached by ClinVar (database versions not stated): gnomAD exomes below 0.00001 and 0.00001; ExAC 0.00002.
gnomAD v4.1: 4 of 1,614,168 alleles (0.00025%); highest among the groups gnomAD compares: Non-Finnish European, 0.00034%; no homozygotes.

Submissions (5):

Ambry Genetics
Classification: Likely pathogenic for Hereditary cancer-predisposing syndrome. Last evaluated: 2025-06-23. Review status: criteria provided, single submitter. Criteria: Ambry Variant Classification Scheme 2023. Collection method: clinical testing. Allele origin: germline.
Comment: The c.2596G>T variant (also known as p.G866C), located in coding exon 7 of the PALB2 gene, results from a G to T substitution at nucleotide position 2596. The glycine at codon 866 is replaced by cysteine, an amino acid with highly dissimilar properties. This alteration was identified in 1/1207 cases of French women diagnosed with breast cancer who had a sister with breast cancer and were BRCA1 and BRCA2 negative and 0/1199 general population controls (Girard E et al. Int J Cancer, 2019 04;144:1962-1974). In silico splice site analysis predicts that this alteration will weaken the native splice acceptor site and will result in the creation or strengthening of a novel splice acceptor site. RNA studies have demonstrated that this alteration results in abnormal splicing in the set of samples tested (Ambry internal data). Based on the majority of available evidence to date, this variant is likely to be pathogenic.

Labcorp Genetics (formerly Invitae), Labcorp
Classification: Uncertain significance for Familial cancer of breast. Last evaluated: 2025-03-30. Review status: criteria provided, single submitter. Criteria: Invitae Variant Classification Sherloc (09022015). Collection method: clinical testing. Allele origin: germline.
Comment: This sequence change replaces glycine, which is neutral and non-polar, with cysteine, which is neutral and slightly polar, at codon 866 of the PALB2 protein (p.Gly866Cys). This variant is present in population databases (rs780415750, gnomAD 0.003%). This missense change has been observed in individual(s) with breast cancer or prostate cancer (PMID: 30303537, 38311546). ClinVar contains an entry for this variant (Variation ID: 460947). Invitae Evidence Modeling of protein sequence and biophysical properties (such as structural, functional, and spatial information, amino acid conservation, physicochemical variation, residue mobility, and thermodynamic stability) indicates that this missense variant is not expected to disrupt PALB2 protein function with a negative predictive value of 80%. Algorithms developed to predict the effect of sequence changes on RNA splicing suggest that this variant may disrupt the consensus splice site. In summary, the available evidence is currently insufficient to determine the role of this variant in disease. Therefore, it has been classified as a Variant of Uncertain Significance.

Center for Genomic Medicine, Rigshospitalet, Copenhagen University Hospital
Classification: Uncertain significance. Last evaluated: 2025-03-04. Review status: criteria provided, single submitter. Criteria: ACMG Guidelines, 2015. Collection method: clinical testing. Allele origin: germline.

Color Diagnostics, LLC DBA Color Health
Classification: Uncertain significance for Hereditary cancer-predisposing syndrome. Last evaluated: 2024-05-16. Review status: criteria provided, single submitter. Criteria: ACMG Guidelines, 2015. Collection method: clinical testing. Allele origin: germline.
Comment: This missense variant replaces glycine with cysteine at codon 866 of the PALB2 protein. Computational prediction suggests that this variant may not impact protein structure and function. Splice site prediction tools suggest that this variant may have a significant impact on RNA splicing, resulting in an out-of-frame splicing of the variant transcript that is expected to create an absent or non-functional protein. However, a RNA study also has reported that similar alternative out-of-frame splicing at this splice acceptor site is also detected in breast and ovary tissues from normal individuals (PMID: 30890586). To our knowledge, functional studies have not been reported for this variant. This variant has been detected in a breast cancer case-control study in 1/1207 breast cancer cases and absent in 1199 unaffected individuals and in a breast cancer case-control meta-analysis in 1/60466 cases and 0/53461 unaffected individuals (PMID: 30303537, 33471991; Leiden Open Variation Database DB-ID PALB2_010871). This variant has been identified in 3/251480 chromosomes in the general population by the Genome Aggregation Database (gnomAD). The available evidence is insufficient to determine the role of this variant in disease conclusively. Therefore, this variant is classified as a Variant of Uncertain Significance.

Quest Diagnostics Nichols Institute San Juan Capistrano
Classification: Uncertain significance. Last evaluated: 2018-02-15. Review status: criteria provided, single submitter. Criteria: Quest Diagnostics criteria. Collection method: clinical testing. Allele origin: germline.

Literature cited by the submitters: PubMed 30303537 (cited by 3 submitters); PubMed 38311546 (cited by Labcorp Genetics (formerly Invitae), Labcorp); PubMed 30890586 (cited by Color Diagnostics, LLC DBA Color Health); PubMed 33471991 (cited by Color Diagnostics, LLC DBA Color Health).